The following is an entry in ClinVar:

ClinVar aggregate classification (germline): Uncertain significance. Review status: criteria provided, multiple submitters, no conflicts (2 of 4 stars). 2 submissions from 2 submitters: Uncertain significance (2). Last evaluated 2026-08-27.

Conditions:
Cardiovascular phenotype. Identifiers: MedGen CN230736.

Allele frequency attached by ClinVar (database versions not stated): gnomAD exomes below 0.00001; ExAC 0.00002.
gnomAD v4.1: 2 of 1,614,110 alleles (0.00012%); highest among the groups gnomAD compares: Non-Finnish European, 0.00017%; no homozygotes.

Submissions (3):

Ambry Genetics
Classification: Uncertain significance for Cardiovascular phenotype. Last evaluated: 2026-08-27. Review status: criteria provided, single submitter. Criteria: Ambry Variant Classification Scheme 2023. Collection method: clinical testing. Allele origin: germline.
Comment: The c.1822-3C>A intronic variant results from a C to A substitution 3 nucleotides upstream from coding exon 27 in the COL1A1 gene. This nucleotide position is well conserved in available vertebrate species. In silico splice site analysis predicts that this alteration will not have any significant effect on splicing. Based on the available evidence, the clinical significance of this variant remains unclear.

Blueprint Genetics
Classification: Uncertain significance. Last evaluated: 2022-04-27. Review status: criteria provided, single submitter. Criteria: ACMG Guidelines, 2015. Collection method: clinical testing. Allele origin: germline.

Dr. Peter K. Rogan Lab, Western University
No classification provided (evidence only). Condition: Ovarian serous cystadenocarcinoma. Review status: no classification provided. Collection method: in vitro. Allele origin: not applicable. Functional consequence: retained intron. Not counted in ClinVar's aggregate classification.

NM_000088.4(COL1A1):c.1822-3C>A

Gene: COL1A1 (collagen type I alpha 1 chain; minus strand). Cytogenetic location: 17q21.33.
Variant type: single nucleotide variant.
Coding change: c.1822-3C>A on transcript NM_000088.4 (MANE Select); 3 bases into the intron before coding-DNA position 1822, C replaced by A.
Molecular consequence: intron variant.
Genome position (GRCh38, 1-based): chr17:50,192,853, G>T on the plus strand (C>A on the coding strand, the complement: COL1A1 is on the minus strand). VCF-style: chr17-50192853-G-T. GRCh37 (hg19) VCF-style: chr17-48270214-G-T.
Other names: NC_000017.10:g.48270214G>T.
Identifiers: ClinVar variation 1780776 (VCV001780776.5), dbSNP rs774412298, ClinGen allele CA8645065.